The following is an entry in ClinVar:

NM_182961.4(SYNE1):c.11425A>G (p.Met3809Val)

Gene: SYNE1 (spectrin repeat containing nuclear envelope protein 1; minus strand). Cytogenetic location: 6q25.2.
Variant type: single nucleotide variant.
Coding change: c.11425A>G on transcript NM_182961.4 (MANE Select); coding-DNA position 11425, A replaced by G.
Protein change: p.Met3809Val; replaces methionine 3809 with valine.
Molecular consequence: missense variant.
Genome position (GRCh38, 1-based): chr6:152,352,182, T>C on the plus strand (A>G on the coding strand, the complement: SYNE1 is on the minus strand). VCF-style: chr6-152352182-T-C. GRCh37 (hg19) VCF-style: chr6-152673317-T-C.
Other names: c.11380A>G, p.Met3794Val (NM_033071.5); short protein forms M3809V, M3794V.
Identifiers: ClinVar variation 2165173 (VCV002165173.2), dbSNP rs568248105, ClinGen allele CA4056694.

ClinVar aggregate classification (germline): Uncertain significance (1 of 4 stars; one submission).

Conditions:
Autosomal recessive ataxia, Beauce type. Also called: SYNE1-Related Autosomal Recessive Cerebellar Ataxia; Spinocerebellar ataxia, autosomal recessive 8; ATAXIA, RECESSIVE, OF BEAUCE; SYNE1 Deficiency. Identifiers: Orphanet 88644, MedGen C1853116, MONDO:0012549, OMIM 610743.
Emery-Dreifuss muscular dystrophy 4, autosomal dominant (EDMD4). Also called: EMERY-DREIFUSS MUSCULAR DYSTROPHY 4 WITH VARIABLE FEATURES. Identifiers: Orphanet 261, MedGen C2751807, MONDO:0013071, OMIM 612998.

Allele frequency attached by ClinVar (database versions not stated): TOPMed below 0.00001; gnomAD 0.00001; gnomAD exomes 0.00008; 1000 Genomes Project 30x 0.00016; ExAC 0.00016; 1000 Genomes Project 0.00020.
gnomAD v4.1: 116 of 1,614,226 alleles (0.0072%); highest among the groups gnomAD compares: South Asian, 0.12%; 2 homozygotes.

Submission:

Labcorp Genetics (formerly Invitae), Labcorp
Classification: Uncertain significance for Emery-Dreifuss muscular dystrophy 4, autosomal dominant; Autosomal recessive ataxia, Beauce type. Last evaluated: 2025-06-05. Review status: criteria provided, single submitter. Criteria: Invitae Variant Classification Sherloc (09022015). Collection method: clinical testing. Allele origin: germline.
Comment: This sequence change replaces methionine, which is neutral and non-polar, with valine, which is neutral and non-polar, at codon 3794 of the SYNE1 protein (p.Met3794Val). This variant is present in population databases (rs568248105, gnomAD 0.1%). This variant has not been reported in the literature in individuals affected with SYNE1-related conditions. ClinVar contains an entry for this variant (Variation ID: 2165173). An algorithm developed to predict the effect of missense changes on protein structure and function outputs the following: PolyPhen-2: "Benign". The valine amino acid residue is found in multiple mammalian species, which suggests that this missense change does not adversely affect protein function. In summary, the available evidence is currently insufficient to determine the role of this variant in disease. Therefore, it has been classified as a Variant of Uncertain Significance.